The following is an entry in ClinVar:

ClinVar aggregate classification (germline): Uncertain significance (1 of 4 stars; one submission).

Conditions:
Aortic valve disease 2 (AOVD2). Identifiers: MedGen C3542024, MONDO:0013902, OMIM 614823.

Allele frequency attached by ClinVar (database versions not stated): ExAC 0.00001; gnomAD 0.00001; gnomAD exomes 0.00001; TOPMed 0.00001.
gnomAD v4.1: 7 of 1,613,982 alleles (0.00043%); highest among the groups gnomAD compares: Non-Finnish European, 0.00059%; no homozygotes.

Submission:

Labcorp Genetics (formerly Invitae), Labcorp
Classification: Uncertain significance for Aortic valve disease 2. Last evaluated: 2022-08-23. Review status: criteria provided, single submitter. Criteria: Invitae Variant Classification Sherloc (09022015). Collection method: clinical testing. Allele origin: germline.
Comment: In summary, the available evidence is currently insufficient to determine the role of this variant in disease. Therefore, it has been classified as a Variant of Uncertain Significance. Advanced modeling of protein sequence and biophysical properties (such as structural, functional, and spatial information, amino acid conservation, physicochemical variation, residue mobility, and thermodynamic stability) performed at Invitae indicates that this missense variant is not expected to disrupt TBX5 protein function. ClinVar contains an entry for this variant (Variation ID: 1462926). This variant has not been reported in the literature in individuals affected with TBX5-related conditions. This variant is present in population databases (rs772790458, gnomAD 0.003%). This sequence change replaces proline, which is neutral and non-polar, with leucine, which is neutral and non-polar, at codon 448 of the TBX5 protein (p.Pro448Leu).

NM_181486.4(TBX5):c.1343C>T (p.Pro448Leu)

Gene: TBX5 (T-box transcription factor 5; minus strand). Cytogenetic location: 12q24.21.
Variant type: single nucleotide variant.
Coding change: c.1343C>T on transcript NM_181486.4 (MANE Select); coding-DNA position 1343, C replaced by T.
Protein change: p.Pro448Leu; replaces proline 448 with leucine.
Molecular consequence: missense variant.
Genome position (GRCh38, 1-based): chr12:114,355,746, G>A on the plus strand (C>T on the coding strand, the complement: TBX5 is on the minus strand). VCF-style: chr12-114355746-G-A. GRCh37 (hg19) VCF-style: chr12-114793551-G-A.
Other names: c.1343C>T, p.Pro448Leu (NM_000192.3); c.1193C>T, p.Pro398Leu (NM_080717.4); short protein forms P398L, P448L.
Identifiers: ClinVar variation 1462926 (VCV001462926.8), dbSNP rs772790458, ClinGen allele CA6809355.